The following is an entry in ClinVar:

ClinVar aggregate classification (germline): Uncertain significance. Review status: criteria provided, single submitter (1 of 4 stars). 2 submissions from 2 submitters: Uncertain significance (1). 1 of the submissions does not count toward it. Last evaluated 2026-03-31.

Conditions:
Amelogenesis imperfecta type 1A. Also called: Amelogenesis imperfecta, type IA; Amelogenesis imperfecta local hypoplastic; Amelogenesis imperfecta, hypoplastic type; AMELOGENESIS IMPERFECTA, HYPOPLASTIC TYPE IA. Identifiers: Orphanet 88661, MedGen C4011403, MONDO:0007094, OMIM 104530.

Allele frequency attached by ClinVar (database versions not stated): gnomAD exomes 0.00001.
gnomAD v4.1: 7 of 1,613,710 alleles (0.00043%); highest among the groups gnomAD compares: Non-Finnish European, 0.00059%; no homozygotes.

Submissions (2):

Women's Health and Genetics/Laboratory Corporation of America, LabCorp
Classification: Uncertain significance. Last evaluated: 2026-03-31. Review status: criteria provided, single submitter. Criteria: LabCorp Variant Classification Summary - May 2015. Collection method: clinical testing. Allele origin: germline.
Comment: Variant summary: COL17A1 c.1861G>A (p.Gly621Ser) results in a non-conservative amino acid change in the encoded protein sequence. Algorithms developed to predict the effect of missense changes on protein structure and function all suggest that this variant is likely to be disruptive. The frequency data for this variant in gnomAD is considered unreliable, as metrics indicate poor data quality at this position. c.1861G>A has been observed in heterozygous state in an individual affected with COL17A1 Related Amelogenesis Imperfecta (Hany_2024) and in compound heterozygous state in an individual with Epidermolysis bullosa, junctional 4, intermediate without clear clinical information (Kiritsi_2011). These data do not allow any conclusion about variant significance. To our knowledge, no experimental evidence demonstrating an impact on protein function has been reported. The following publications have been ascertained in the context of this evaluation (PMID: 37979963, 21357940). ClinVar contains an entry for this variant (Variation ID: 2572037). Based on the evidence outlined above, the variant was classified as uncertain significance.

Leeds Amelogenesis Imperfecta Research Group, University of Leeds
Classification: Likely pathogenic for Amelogenesis imperfecta type 1A. Last evaluated: 2023-07-12. Review status: no assertion criteria provided. Collection method: research. Allele origin: unknown. Inheritance: Autosomal dominant inheritance. Affected: yes. Not counted in ClinVar's aggregate classification.

Literature cited by the submitters: PubMed 37979963 (cited by Women's Health and Genetics/Laboratory Corporation of America, LabCorp); PubMed 21357940 (cited by Women's Health and Genetics/Laboratory Corporation of America, LabCorp).

NM_000494.4(COL17A1):c.1861G>A (p.Gly621Ser)

Gene: COL17A1 (collagen type XVII alpha 1 chain; minus strand). Cytogenetic location: 10q25.1.
Variant type: single nucleotide variant.
Coding change: c.1861G>A on transcript NM_000494.4 (MANE Select); coding-DNA position 1861, G replaced by A.
Protein change: p.Gly621Ser; replaces glycine 621 with serine.
Molecular consequence: missense variant.
Genome position (GRCh38, 1-based): chr10:104,053,109, C>T on the plus strand (G>A on the coding strand, the complement: COL17A1 is on the minus strand). VCF-style: chr10-104053109-C-T. GRCh37 (hg19) VCF-style: chr10-105812867-C-T.
Other names: short protein forms G621S.
Identifiers: ClinVar variation 2572037 (VCV002572037.3), dbSNP rs2493333188, ClinGen allele CA378070139.